The following is an entry in ClinVar:

NM_002693.3(POLG):c.3413G>A (p.Arg1138His)

Gene: POLG (DNA polymerase gamma, catalytic subunit; minus strand). Cytogenetic location: 15q26.1.
Variant type: single nucleotide variant.
Coding change: c.3413G>A on transcript NM_002693.3 (MANE Select); coding-DNA position 3413, G replaced by A.
Protein change: p.Arg1138His; replaces arginine 1138 with histidine.
Molecular consequence: missense variant.
Genome position (GRCh38, 1-based): chr15:89,318,610, C>T on the plus strand (G>A on the coding strand, the complement: POLG is on the minus strand). VCF-style: chr15-89318610-C-T. GRCh37 (hg19) VCF-style: chr15-89861841-C-T.
Other names: c.3413G>A, p.Arg1138His (NM_001126131.2); c.3413G>A (NM_002693.2); short protein forms R1138H.
Identifiers: ClinVar variation 1017212 (VCV001017212.10), dbSNP rs756879546, ClinGen allele CA7724145.
Genomic context (GRCh38, chr15:89,318,610, plus strand): 5'-AGGTTGGTGATCTGCAAGGCCAGGGCAGCGCGGTAGCGGTCCTCCTCCCGCACCAGGTAG[C>T]GAACCTCGTCATGGATGCTGATGCAGAAGCGCCCATCTATGGCAAACTCTTCAAACAGCC-3'
Protein context (NP_002684.1, residues 1128-1148): RFCISIHDEV[Arg1138His]YLVREEDRYR

ClinVar aggregate classification (germline): Conflicting classifications of pathogenicity. Review status: criteria provided, conflicting classifications (1 of 4 stars). 2 submissions from 2 submitters: Likely pathogenic (1); Uncertain significance (1). Last evaluated 2026-03-06.

Conditions:
Progressive sclerosing poliodystrophy (MTDPS4A). Also called: Mitochondrial DNA depletion syndrome 4A (Alpers type); NEURONAL DEGENERATION OF CHILDHOOD WITH LIVER DISEASE, PROGRESSIVE; Mitochondrial DNA Depletion Syndrome 4A; ALPERS PROGRESSIVE INFANTILE POLIODYSTROPHY; Alpers-Huttenlocher Syndrome; Alpers Syndrome. Identifiers: Orphanet 726, MedGen C0205710, MONDO:0008758, OMIM 203700.

Allele frequency attached by ClinVar (database versions not stated): gnomAD exomes 0.00001 and below 0.00001; TOPMed 0.00001; ExAC 0.00001; gnomAD 0.00001.
gnomAD v4.1: 9 of 1,614,076 alleles (0.00056%); highest among the groups gnomAD compares: East Asian, 0.0022%; no homozygotes.

Submissions (2):

GeneDx
Classification: Uncertain significance. Last evaluated: 2026-03-06. Review status: criteria provided, single submitter. Criteria: GeneDx Variant Classification Process June 2021. Collection method: clinical testing. Allele origin: germline.
Comment: Has not been previously published as pathogenic or benign to our knowledge; Not observed at significant frequency in large population cohorts (gnomAD); In silico analysis supports that this missense variant has a deleterious effect on protein structure/function

Labcorp Genetics (formerly Invitae), Labcorp
Classification: Likely pathogenic for Progressive sclerosing poliodystrophy. Last evaluated: 2025-11-10. Review status: criteria provided, single submitter. Criteria: Invitae Variant Classification Sherloc (09022015). Collection method: clinical testing. Allele origin: germline.
Comment: This sequence change replaces arginine, which is basic and polar, with histidine, which is basic and polar, at codon 1138 of the POLG protein (p.Arg1138His). This variant is present in population databases (rs756879546, gnomAD 0.006%). This missense change has been observed in individual(s) with clinical features of autosomal recessive POLG-related conditions (internal data). ClinVar contains an entry for this variant (Variation ID: 1017212). Invitae Evidence Modeling of protein sequence and biophysical properties (such as structural, functional, and spatial information, amino acid conservation, physicochemical variation, residue mobility, and thermodynamic stability) indicates that this missense variant is expected to disrupt POLG protein function with a positive predictive value of 95%. This variant disrupts the p.Arg1138 amino acid residue in POLG. Other variant(s) that disrupt this residue have been determined to be pathogenic (PMID: 18585914, 27538604). This suggests that this residue is clinically significant, and that variants that disrupt this residue are likely to be disease-causing. In summary, the currently available evidence indicates that the variant is pathogenic, but additional data are needed to prove that conclusively. Therefore, this variant has been classified as Likely Pathogenic.

Literature cited by the submitters: PubMed 18585914 (cited by Labcorp Genetics (formerly Invitae), Labcorp); PubMed 27538604 (cited by Labcorp Genetics (formerly Invitae), Labcorp).